The following is an entry in ClinVar:

NM_020975.6(RET):c.2393-8G>T

Gene: RET (ret proto-oncogene; plus strand). Cytogenetic location: 10q11.21.
Variant type: single nucleotide variant.
Coding change: c.2393-8G>T on transcript NM_020975.6 (MANE Select); 8 bases into the intron before coding-DNA position 2393, G replaced by T.
Molecular consequence: intron variant.
Genome position (GRCh38, 1-based): chr10:43,119,523, G>T. VCF-style: chr10-43119523-G-T. GRCh37 (hg19) VCF-style: chr10-43614971-G-T.
Other names: c.2393-8G>T (NM_020630.7, NM_001406743.1, NM_001406744.1 and 2 more transcripts); c.2258-8G>T (NM_001406765.1, NM_001406763.1); c.1997-8G>T (NM_001406772.1, NM_001406769.1); c.1955-8G>T (NM_001406773.1, NM_001406771.1); c.1496-8G>T (NM_001406782.1, NM_001406780.1, NM_001406779.1 and 1 more transcripts); c.1361-8G>T (NM_001406787.1); c.1376-8G>T (NM_001406785.1); c.2264-8G>T (NM_001406764.1, NM_001406762.1, NM_001406761.1); and 10 more.
Identifiers: ClinVar variation 1090199 (VCV001090199.11), dbSNP rs376151644, ClinGen allele CA2499220237.

ClinVar aggregate classification (germline): Likely benign. Review status: criteria provided, multiple submitters, no conflicts (2 of 4 stars). 2 submissions from 2 submitters: Likely benign (2). Last evaluated 2025-02-26.

Conditions:
Multiple endocrine neoplasia, type 2 (MEN2). Identifiers: Orphanet 653, MedGen C4048306, MONDO:0019003. Disease mechanism: gain of function.
Multiple endocrine neoplasia type 2A. Also called: MULTIPLE ENDOCRINE NEOPLASIA, TYPE IIA; PTC SYNDROME; SIPPLE SYNDROME; MEN 2A; MEN-2A syndrome; Pheochromocytoma and amyloid producing medullary thyroid carcinoma. Identifiers: Orphanet 247698, Orphanet 653, MedGen C0025268, MeSH D018813, MONDO:0008234, OMIM 171400.

gnomAD v4.1: 2 of 1,589,158 alleles (0.00013%); highest among the groups gnomAD compares: Non-Finnish European, 0.00017%; no homozygotes.

Submissions (2):

Myriad Genetics, Inc.
Classification: Likely benign for Multiple endocrine neoplasia type 2A. Last evaluated: 2025-02-26. Review status: criteria provided, single submitter. Criteria: Myriad Autosomal Dominant, Autosomal Recessive and X-Linked Classification Criteria (2023). Collection method: clinical testing. Allele origin: unknown.
Comment: This variant is considered likely benign. This variant is intronic and is not expected to impact mRNA splicing.

Labcorp Genetics (formerly Invitae), Labcorp
Classification: Likely benign for Multiple endocrine neoplasia, type 2. Last evaluated: 2024-10-24. Review status: criteria provided, single submitter. Criteria: Invitae Variant Classification Sherloc (09022015). Collection method: clinical testing. Allele origin: germline.